The following is an entry in ClinVar:

ClinVar aggregate classification (germline): Pathogenic (1 of 4 stars; one submission).

Conditions:
Charcot-Marie-Tooth disease type 2. Also called: Charcot-Marie-Tooth type 2. Identifiers: Orphanet 64746, MedGen C0270914, MONDO:0018993.

Submission:

Labcorp Genetics (formerly Invitae), Labcorp
Classification: Pathogenic for Charcot-Marie-Tooth disease type 2. Last evaluated: 2023-05-19. Review status: criteria provided, single submitter. Criteria: Invitae Variant Classification Sherloc (09022015). Collection method: clinical testing. Allele origin: germline.
Comment: This sequence change creates a premature translational stop signal (p.Gln381*) in the AARS gene. It is expected to result in an absent or disrupted protein product. Loss-of-function variants in AARS are known to be pathogenic (PMID: 25817015, 28493438, 34446925). Information on the frequency of this variant in the gnomAD database is not available, as this variant may be reported differently in the database. This variant has not been reported in the literature in individuals affected with AARS-related conditions. For these reasons, this variant has been classified as Pathogenic.

Literature cited by the submitters: PubMed 25817015; PubMed 28493438; PubMed 34446925.

NM_001605.3(AARS1):c.1140_1141delinsAT (p.Gln381Ter)

Gene: AARS1 (alanyl-tRNA synthetase 1; minus strand). Cytogenetic location: 16q22.1.
Variant type: Indel.
Coding change: c.1140_1141delinsAT on transcript NM_001605.3 (MANE Select); coding-DNA positions 1140 to 1141, GC replaced by AT.
Protein change: p.Gln381Ter; replaces glutamine 381 with a stop codon.
Molecular consequence: nonsense.
Genome position (GRCh38, 1-based): chr16:70,267,740-70,267,741, GC replaced by AT on the plus strand (GC replaced by AT on the coding strand, the reverse complement: AARS1 is on the minus strand). VCF-style: chr16-70267740-GC-AT. GRCh37 (hg19) VCF-style: chr16-70301643-GC-AT.
Other names: short protein forms Q381*.
Identifiers: ClinVar variation 2865947 (VCV002865947.3), dbSNP rs2507012689, ClinGen allele CA2739266871.
Genomic context (GRCh38, chr16:70,267,740, plus strand): 5'-CCAGGCTCTGAATTTTCCTGTCCAGGATGCGACGCCCTCTGCTGAGAGTCTTGAGAAACT[GC>AT]ACCTCTTCTTCATTAATGATGTCCTTCACCATGTCTGGGTCCTTCTTCAGCTCAGGAAAT-3'